The following is an entry in ClinVar:

NM_177438.3(DICER1):c.4196A>G (p.Lys1399Arg)

Gene: DICER1 (dicer 1, ribonuclease III; minus strand). Cytogenetic location: 14q32.13.
Variant type: single nucleotide variant.
Coding change: c.4196A>G on transcript NM_177438.3 (MANE Select); coding-DNA position 4196, A replaced by G.
Protein change: p.Lys1399Arg; replaces lysine 1399 with arginine.
Molecular consequence: missense variant. On other transcripts: non-coding transcript variant (6).
Genome position (GRCh38, 1-based): chr14:95,099,790, T>C on the plus strand (A>G on the coding strand, the complement: DICER1 is on the minus strand). VCF-style: chr14-95099790-T-C. GRCh37 (hg19) VCF-style: chr14-95566127-T-C.
Other names: c.4196A>G, p.Lys1399Arg (NM_001195573.1, NM_001271282.3, NM_001291628.2 and 13 more transcripts); c.3914A>G, p.Lys1305Arg (NM_001395686.1); c.3791A>G, p.Lys1264Arg (NM_001395687.1, NM_001395688.1, NM_001395689.1 and 2 more transcripts); c.3629A>G, p.Lys1210Arg (NM_001395691.1); c.2513A>G, p.Lys838Arg (NM_001395697.1); short protein forms K1305R, K838R, K1210R, K1399R, K1264R.
Identifiers: ClinVar variation 2919555 (VCV002919555.4), dbSNP rs2542597920, ClinGen allele CA390871727.

ClinVar aggregate classification (germline): Uncertain significance. Review status: criteria provided, multiple submitters, no conflicts (2 of 4 stars). 2 submissions from 2 submitters: Uncertain significance (2). Last evaluated 2026-05-03.

Conditions:
DICER1-related tumor predisposition. Also called: DICER1 syndrome; DICER1-related pleuropulmonary blastoma cancer predisposition syndrome. Identifiers: Orphanet 284343, MedGen C3839822, MONDO:0100216.
Hereditary cancer-predisposing syndrome. Also called: Hereditary neoplastic syndrome; Neoplastic Syndromes, Hereditary; Tumor predisposition; Hereditary Cancer Syndrome. Identifiers: Orphanet 140162, MedGen C0027672, MeSH D009386, MONDO:0015356.

Submissions (2):

Ambry Genetics
Classification: Uncertain significance for Hereditary cancer-predisposing syndrome. Last evaluated: 2026-05-03. Review status: criteria provided, single submitter. Criteria: Ambry Variant Classification Scheme 2023. Collection method: clinical testing. Allele origin: germline.
Comment: The p.K1399R variant (also known as c.4196A>G), located in coding exon 21 of the DICER1 gene, results from an A to G substitution at nucleotide position 4196. The lysine at codon 1399 is replaced by arginine, an amino acid with highly similar properties. This amino acid position is conserved. In addition, this alteration is predicted to be tolerated by in silico analysis. Based on the available evidence, the clinical significance of this variant remains unclear.

Labcorp Genetics (formerly Invitae), Labcorp
Classification: Uncertain significance for DICER1-related tumor predisposition. Last evaluated: 2022-12-20. Review status: criteria provided, single submitter. Criteria: Invitae Variant Classification Sherloc (09022015). Collection method: clinical testing. Allele origin: germline.
Comment: This sequence change replaces lysine, which is basic and polar, with arginine, which is basic and polar, at codon 1399 of the DICER1 protein (p.Lys1399Arg). This variant is not present in population databases (gnomAD no frequency). This variant has not been reported in the literature in individuals affected with DICER1-related conditions. Advanced modeling of protein sequence and biophysical properties (such as structural, functional, and spatial information, amino acid conservation, physicochemical variation, residue mobility, and thermodynamic stability) performed at Invitae indicates that this missense variant is not expected to disrupt DICER1 protein function. In summary, the available evidence is currently insufficient to determine the role of this variant in disease. Therefore, it has been classified as a Variant of Uncertain Significance.